The following is an entry in ClinVar:

ClinVar aggregate classification (germline): Conflicting classifications of pathogenicity. Review status: criteria provided, conflicting classifications (1 of 4 stars). 2 submissions from 2 submitters: Uncertain significance (1); Likely benign (1). Last evaluated 2025-05-15.

Conditions:
Hereditary cancer-predisposing syndrome. Also called: Neoplastic Syndromes, Hereditary; Tumor predisposition; Hereditary Cancer Syndrome; Hereditary neoplastic syndrome. Identifiers: Orphanet 140162, MedGen C0027672, MeSH D009386, MONDO:0015356.
Hereditary breast ovarian cancer syndrome. Also called: Hereditary breast and ovarian cancer syndrome; Hereditary breast and ovarian cancer; Hereditary breast and ovarian cancer syndrome (HBOC); Breast and ovarian cancer; Hereditary breast and/or ovarian cancer syndrome; BRCA1- and BRCA2-Associated Hereditary Breast and Ovarian Cancer. Identifiers: Orphanet 145, MedGen C0677776, MeSH D061325, MONDO:0003582. Disease mechanism: loss of function.

Submissions (2):

Ambry Genetics
Classification: Likely benign for Hereditary cancer-predisposing syndrome. Last evaluated: 2025-05-15. Review status: criteria provided, single submitter. Criteria: Ambry Variant Classification Scheme 2023. Collection method: clinical testing. Allele origin: germline.

Labcorp Genetics (formerly Invitae), Labcorp
Classification: Uncertain significance for Hereditary breast ovarian cancer syndrome. Last evaluated: 2022-08-09. Review status: criteria provided, single submitter. Criteria: Invitae Variant Classification Sherloc (09022015). Collection method: clinical testing. Allele origin: germline.
Comment: ClinVar contains an entry for this variant (Variation ID: 481587). This variant has not been reported in the literature in individuals affected with BRCA2-related conditions. This variant is not present in population databases (gnomAD no frequency). This sequence change replaces serine, which is neutral and polar, with proline, which is neutral and non-polar, at codon 3070 of the BRCA2 protein (p.Ser3070Pro). Advanced modeling of protein sequence and biophysical properties (such as structural, functional, and spatial information, amino acid conservation, physicochemical variation, residue mobility, and thermodynamic stability) performed at Invitae indicates that this missense variant is not expected to disrupt BRCA2 protein function. In summary, the available evidence is currently insufficient to determine the role of this variant in disease. Therefore, it has been classified as a Variant of Uncertain Significance.

NM_000059.4(BRCA2):c.9208T>C (p.Ser3070Pro)

Gene: BRCA2 (BRCA2 DNA repair associated; plus strand). Cytogenetic location: 13q13.1.
Variant type: single nucleotide variant.
Coding change: c.9208T>C on transcript NM_000059.4 (MANE Select); coding-DNA position 9208, T replaced by C.
Protein change: p.Ser3070Pro; replaces serine 3070 with proline.
Molecular consequence: missense variant.
Genome position (GRCh38, 1-based): chr13:32,380,097, T>C. VCF-style: chr13-32380097-T-C. GRCh37 (hg19) VCF-style: chr13-32954234-T-C.
Other names: short protein forms S3070P.
Identifiers: ClinVar variation 481587 (VCV000481587.16), dbSNP rs1555288554, ClinGen allele CA387758332.
Genomic context (GRCh38, chr13:32,380,097, plus strand): 5'-CAGCCACGGGAGCCCCTTCACTTCAGCAAATTTTTAGATCCAGACTTTCAGCCATCTTGT[T>C]CTGAGGTGGACCTAATAGGATTTGTCGTTTCTGTTGTGAAAAAAACAGGTAATGCACAAT-3'
Protein context (NP_000050.3, residues 3060-3080): FLDPDFQPSC[Ser3070Pro]EVDLIGFVVS